The following is an entry in ClinVar:

ClinVar aggregate classification (germline): Likely benign (0 of 4 stars; one submission).

Conditions:
AXIN1-related disorder. Also called: AXIN1-related condition.

Allele frequency attached by ClinVar (database versions not stated): ExAC 0.00001; gnomAD 0.00001; gnomAD exomes 0.00001; TOPMed 0.00006.
gnomAD v4.1: 19 of 1,611,462 alleles (0.0012%); highest among the groups gnomAD compares: African/African-American, 0.0027%; no homozygotes.

Submission:

PreventionGenetics, part of Exact Sciences
Classification: Likely benign for AXIN1-related condition. Last evaluated: 2019-04-24. Review status: no assertion criteria provided. Collection method: clinical testing. Allele origin: germline.
Comment: This variant is classified as likely benign based on ACMG/AMP sequence variant interpretation guidelines (Richards et al. 2015 PMID: 25741868, with internal and published modifications).

NM_003502.4(AXIN1):c.2130G>A (p.Ala710=)

Gene: AXIN1 (axin 1; minus strand). Cytogenetic location: 16p13.3.
Variant type: single nucleotide variant.
Coding change: c.2130G>A on transcript NM_003502.4 (MANE Select); coding-DNA position 2130, G replaced by A.
Protein change: p.Ala710=; no amino-acid change (alanine 710 retained).
Molecular consequence: synonymous variant. On other transcripts: non-coding transcript variant (1).
Genome position (GRCh38, 1-based): chr16:293,544, C>T on the plus strand (G>A on the coding strand, the complement: AXIN1 is on the minus strand). VCF-style: chr16-293544-C-T. GRCh37 (hg19) VCF-style: chr16-343544-C-T.
Other names: c.2130G>A, p.Ala710= (NM_181050.3).
Identifiers: ClinVar variation 3058336 (VCV003058336.2), dbSNP rs749294095, ClinGen allele CA7773954.